The following is an entry in ClinVar:

ClinVar aggregate classification (germline): Benign (1 of 4 stars; one submission).

Allele frequency attached by ClinVar (database versions not stated): TOPMed 0.24211; 1000 Genomes Project 30x 0.25921; 1000 Genomes Project 0.26398.
gnomAD v4.1: 35,044 of 152,070 alleles (23%); highest among the groups gnomAD compares: East Asian, 45%; 4,507 homozygotes.

Submission:

GeneDx
Classification: Benign. Last evaluated: 2018-06-18. Review status: criteria provided, single submitter. Criteria: GeneDx Variant Classification (06012015). Collection method: clinical testing. Allele origin: germline. Affected: yes.
Comment: This variant is considered likely benign or benign based on one or more of the following criteria: it is a conservative change, it occurs at a poorly conserved position in the protein, it is predicted to be benign by multiple in silico algorithms, and/or has population frequency not consistent with disease.

NM_003494.4(DYSF):c.88+12437C>T

Gene: DYSF (dysferlin; plus strand). Cytogenetic location: 2p13.2.
Variant type: single nucleotide variant.
Coding change: c.88+12437C>T on transcript NM_003494.4 (MANE Plus Clinical); 12437 bases into the intron after coding-DNA position 88, C replaced by T.
Molecular consequence: intron variant.
Genome position (GRCh38, 1-based): chr2:71,466,523, C>T. VCF-style: chr2-71466523-C-T. GRCh37 (hg19) VCF-style: chr2-71693653-C-T.
Other names: c.88+12437C>T (NM_001130979.2, NM_001130981.2, NM_001130980.2 and 3 more transcripts).
Identifiers: ClinVar variation 668888 (VCV000668888.3), dbSNP rs6752164, ClinGen allele CA11017464.